The following is an entry in ClinVar:

NM_001903.5(CTNNA1):c.2299-15C>T

Gene: CTNNA1 (catenin alpha 1; plus strand). Cytogenetic location: 5q31.2.
Variant type: single nucleotide variant.
Coding change: c.2299-15C>T on transcript NM_001903.5 (MANE Select); 15 bases into the intron before coding-DNA position 2299, C replaced by T.
Molecular consequence: intron variant.
Genome position (GRCh38, 1-based): chr5:138,932,563, C>T. VCF-style: chr5-138932563-C-T. GRCh37 (hg19) VCF-style: chr5-138268252-C-T.
Other names: c.2299-15C>T (NM_001290307.3, NM_001323985.2, NM_001323983.1 and 2 more transcripts); c.2206-15C>T (NM_001323986.2); c.1930-15C>T (NM_001290310.3); c.1990-15C>T (NM_001290309.3); c.1189-15C>T (NM_001323996.1, NM_001323993.1, NM_001324005.1 and 16 more transcripts); c.850-15C>T (NM_001324007.1, NM_001324009.1, NM_001324006.1 and 2 more transcripts); c.946-15C>T (NM_001324013.1, NM_001324012.1); c.1189-1239C>T (NM_001324001.1); and 1 more.
Identifiers: ClinVar variation 3773181 (VCV003773181.1).
Genomic context (GRCh38, chr5:138,932,563, plus strand): 5'-TTCAGAAACAGCCGTGGGGTCGGGGGTGCTTGGGCCAGGCCAGGATACTTGGTGTTAAGC[C>T]TGCTCTCTCTTCAGTGCCCCGACTCGGCTTGCAAGCAGGACCTGCTGGCCTACCTGCAAC-3'

ClinVar aggregate classification (germline): Likely benign (1 of 4 stars; one submission).

Conditions:
Hereditary diffuse gastric adenocarcinoma (HDGC). Also called: DIFFUSE GASTRIC AND LOBULAR BREAST CANCER SYNDROME. Identifiers: Orphanet 26106, MedGen C1708349, MONDO:0007648, OMIM 137215.

Submission:

Myriad Genetics, Inc.
Classification: Likely benign for Hereditary diffuse gastric adenocarcinoma. Last evaluated: 2024-10-15. Review status: criteria provided, single submitter. Criteria: Myriad Autosomal Dominant, Autosomal Recessive and X-Linked Classification Criteria (2023). Collection method: clinical testing. Allele origin: unknown.
Comment: This variant is considered likely benign. This variant is intronic and is not expected to impact mRNA splicing.